The following is an entry in ClinVar:

ClinVar aggregate classification (germline): Uncertain significance (1 of 4 stars; one submission).

Conditions:
Neurofibromatosis, type 1 (NF1). Also called: Neurofibromatosis, type I; VON RECKLINGHAUSEN DISEASE; NEUROFIBROMATOSIS, TYPE I, SOMATIC; Peripheral type neurofibromatosis. Identifiers: Orphanet 636, MedGen C0027831, MONDO:0018975, OMIM 162200. Disease mechanism: loss of function.

Submission:

Labcorp Genetics (formerly Invitae), Labcorp
Classification: Uncertain significance for Neurofibromatosis, type 1. Last evaluated: 2025-08-31. Review status: criteria provided, single submitter. Criteria: Invitae Variant Classification Sherloc (09022015). Collection method: clinical testing. Allele origin: germline.
Comment: This sequence change replaces glutamic acid, which is acidic and polar, with lysine, which is basic and polar, at codon 41 of the NF1 protein (p.Glu41Lys). This variant is not present in population databases (gnomAD no frequency). This variant has not been reported in the literature in individuals affected with NF1-related conditions. Invitae Evidence Modeling of protein sequence and biophysical properties (such as structural, functional, and spatial information, amino acid conservation, physicochemical variation, residue mobility, and thermodynamic stability) has been performed for this missense variant. However, the output from this modeling did not meet the statistical confidence thresholds required to predict the impact of this variant on NF1 protein function. In summary, the available evidence is currently insufficient to determine the role of this variant in disease. Therefore, it has been classified as a Variant of Uncertain Significance.

NM_001042492.3(NF1):c.121G>A (p.Glu41Lys)

Gene: NF1 (neurofibromin 1; plus strand). Cytogenetic location: 17q11.2.
Variant type: single nucleotide variant.
Coding change: c.121G>A on transcript NM_001042492.3 (MANE Select); coding-DNA position 121, G replaced by A.
Protein change: p.Glu41Lys; replaces glutamic acid 41 with lysine.
Molecular consequence: missense variant.
Genome position (GRCh38, 1-based): chr17:31,156,043, G>A. VCF-style: chr17-31156043-G-A. GRCh37 (hg19) VCF-style: chr17-29483061-G-A.
Other names: c.121G>A, p.Glu41Lys (NM_001128147.3, NM_000267.4); short protein forms E41K.
Identifiers: ClinVar variation 4780489 (VCV004780489.1).